The following is an entry in ClinVar:

NM_014754.3(PTDSS1):c.1138C>T (p.Gln380Ter)

Gene: PTDSS1 (phosphatidylserine synthase 1; plus strand). Cytogenetic location: 8q22.1.
Variant type: single nucleotide variant.
Coding change: c.1138C>T on transcript NM_014754.3 (MANE Select); coding-DNA position 1138, C replaced by T.
Protein change: p.Gln380Ter; replaces glutamine 380 with a stop codon.
Molecular consequence: nonsense.
Genome position (GRCh38, 1-based): chr8:96,320,310, C>T. VCF-style: chr8-96320310-C-T. GRCh37 (hg19) VCF-style: chr8-97332538-C-T.
Other names: c.700C>T, p.Gln234Ter (NM_001290225.2); short protein forms Q380*, Q234*.
Identifiers: ClinVar variation 4740506 (VCV004740506.1).

ClinVar aggregate classification (germline): Uncertain significance (1 of 4 stars; one submission).

gnomAD v4.1: 1 of 1,612,986 alleles (0.000062%); highest among the groups gnomAD compares: Admixed American, 0.0017%; no homozygotes.

Submission:

Labcorp Genetics (formerly Invitae), Labcorp
Classification: Uncertain significance. Last evaluated: 2026-01-06. Review status: criteria provided, single submitter. Criteria: Invitae Variant Classification Sherloc (09022015). Collection method: clinical testing. Allele origin: germline.
Comment: This sequence change creates a premature translational stop signal (p.Gln380*) in the PTDSS1 gene. It is expected to result in an absent or disrupted protein product. However, the current clinical and genetic evidence is not sufficient to establish whether loss-of-function variants in PTDSS1 cause disease. This variant is not present in population databases (gnomAD no frequency). This variant has not been reported in the literature in individuals affected with PTDSS1-related conditions. In summary, the available evidence is currently insufficient to determine the role of this variant in disease. Therefore, it has been classified as a Variant of Uncertain Significance.